The following is an entry in ClinVar:

NM_005591.4(MRE11):c.123T>G (p.Asp41Glu)

Gene: MRE11 (MRE11 double strand break repair nuclease; minus strand). Cytogenetic location: 11q21.
Variant type: single nucleotide variant.
Coding change: c.123T>G on transcript NM_005591.4 (MANE Select); coding-DNA position 123, T replaced by G.
Protein change: p.Asp41Glu; replaces aspartic acid 41 with glutamic acid.
Molecular consequence: missense variant.
Genome position (GRCh38, 1-based): chr11:94,490,863, A>C on the plus strand (T>G on the coding strand, the complement: MRE11 is on the minus strand). VCF-style: chr11-94490863-A-C. GRCh37 (hg19) VCF-style: chr11-94224029-A-C.
Other names: c.123T>G, p.Asp41Glu (NM_001330347.2, NM_005590.4); short protein forms D41E.
Identifiers: ClinVar variation 818686 (VCV000818686.8), dbSNP rs1398118094, ClinGen allele CA382380678.

ClinVar aggregate classification (germline): Uncertain significance. Review status: criteria provided, multiple submitters, no conflicts (2 of 4 stars). 3 submissions from 3 submitters: Uncertain significance (3). Last evaluated 2024-04-01.

Conditions:
Ataxia-telangiectasia-like disorder (ATLD). Identifiers: MedGen C1858391, MONDO:0011457.
Hereditary cancer-predisposing syndrome. Also called: Tumor predisposition; Hereditary neoplastic syndrome; Neoplastic Syndromes, Hereditary; Hereditary Cancer Syndrome. Identifiers: Orphanet 140162, MedGen C0027672, MeSH D009386, MONDO:0015356.
Ataxia-telangiectasia-like disorder 1 (ATLD1). Identifiers: Orphanet 251347, MedGen C4012790, MONDO:0024557, OMIM 604391.

Allele frequency attached by ClinVar (database versions not stated): gnomAD exomes below 0.00001; TOPMed below 0.00001.
gnomAD v4.1: 1 of 1,613,662 alleles (0.000062%); highest among the groups gnomAD compares: Non-Finnish European, 0.000085%; no homozygotes.

Submissions (3):

Labcorp Genetics (formerly Invitae), Labcorp
Classification: Uncertain significance for Ataxia-telangiectasia-like disorder. Last evaluated: 2024-04-01. Review status: criteria provided, single submitter. Criteria: Invitae Variant Classification Sherloc (09022015). Collection method: clinical testing. Allele origin: germline.
Comment: This sequence change replaces aspartic acid, which is acidic and polar, with glutamic acid, which is acidic and polar, at codon 41 of the MRE11 protein (p.Asp41Glu). This variant is present in population databases (no rsID available, gnomAD 0.003%). This variant has not been reported in the literature in individuals affected with MRE11-related conditions. ClinVar contains an entry for this variant (Variation ID: 818686). An algorithm developed to predict the effect of missense changes on protein structure and function (PolyPhen-2) suggests that this variant is likely to be tolerated. In summary, the available evidence is currently insufficient to determine the role of this variant in disease. Therefore, it has been classified as a Variant of Uncertain Significance.

Ambry Genetics
Classification: Uncertain significance for Hereditary cancer-predisposing syndrome. Last evaluated: 2019-11-08. Review status: criteria provided, single submitter. Criteria: Ambry Variant Classification Scheme 2023. Collection method: clinical testing. Allele origin: germline.
Comment: The p.D41E variant (also known as c.123T>G), located in coding exon 2 of the MRE11A gene, results from a T to G substitution at nucleotide position 123. The aspartic acid at codon 41 is replaced by glutamic acid, an amino acid with highly similar properties. This amino acid position is not well conserved in available vertebrate species. In addition, this alteration is predicted to be tolerated by in silico analysis. Since supporting evidence is limited at this time, the clinical significance of this alteration remains unclear.

Baylor Genetics
Classification: Uncertain significance for Ataxia-telangiectasia-like disorder 1. Last evaluated: 2019-01-28. Review status: criteria provided, single submitter. Criteria: ACMG Guidelines, 2015. Collection method: clinical testing. Allele origin: unknown. Affected: yes. Study: CSER-TexasKidsCanSeq.
Comment: This variant was determined to be of uncertain significance according to ACMG Guidelines, 2015 [PMID:25741868].